The following is an entry in ClinVar:

NM_000059.4(BRCA2):c.8288A>G (p.Asp2763Gly)

Gene: BRCA2 (BRCA2 DNA repair associated; plus strand). Cytogenetic location: 13q13.1.
Variant type: single nucleotide variant.
Coding change: c.8288A>G on transcript NM_000059.4 (MANE Select); coding-DNA position 8288, A replaced by G.
Protein change: p.Asp2763Gly; replaces aspartic acid 2763 with glycine.
Molecular consequence: missense variant.
Genome position (GRCh38, 1-based): chr13:32,363,490, A>G. VCF-style: chr13-32363490-A-G. GRCh37 (hg19) VCF-style: chr13-32937627-A-G.
Other names: short protein forms D2763G.
Identifiers: ClinVar variation 1025455 (VCV001025455.9), dbSNP rs1566245842, ClinGen allele CA387750115.

ClinVar aggregate classification (germline): Uncertain significance (1 of 4 stars; one submission).

Conditions:
Hereditary breast ovarian cancer syndrome. Also called: Hereditary breast and ovarian cancer; Hereditary breast and ovarian cancer syndrome (HBOC); Hereditary breast and ovarian cancer syndrome; BRCA1- and BRCA2-Associated Hereditary Breast and Ovarian Cancer; Hereditary breast and/or ovarian cancer syndrome; Breast and ovarian cancer. Identifiers: Orphanet 145, MedGen C0677776, MeSH D061325, MONDO:0003582. Disease mechanism: loss of function.

gnomAD v4.1: 1 of 1,614,110 alleles (0.000062%); highest among the groups gnomAD compares: Non-Finnish European, 0.000085%; no homozygotes.

Submission:

Labcorp Genetics (formerly Invitae), Labcorp
Classification: Uncertain significance for Hereditary breast ovarian cancer syndrome. Last evaluated: 2020-07-24. Review status: criteria provided, single submitter. Criteria: Invitae Variant Classification Sherloc (09022015). Collection method: clinical testing. Allele origin: germline.
Comment: Algorithms developed to predict the effect of sequence changes on RNA splicing suggest that this variant may create or strengthen a splice site, but this prediction has not been confirmed by published transcriptional studies. In summary, the available evidence is currently insufficient to determine the role of this variant in disease. Therefore, it has been classified as a Variant of Uncertain Significance. Advanced modeling of protein sequence and biophysical properties (such as structural, functional, and spatial information, amino acid conservation, physicochemical variation, residue mobility, and thermodynamic stability) performed at Invitae indicates that this missense variant is not expected to disrupt BRCA2 protein function. This variant has not been reported in the literature in individuals with BRCA2-related conditions. This variant is not present in population databases (ExAC no frequency). This sequence change replaces aspartic acid with glycine at codon 2763 of the BRCA2 protein (p.Asp2763Gly). The aspartic acid residue is moderately conserved and there is a moderate physicochemical difference between aspartic acid and glycine.